The following is an entry in ClinVar:

NM_021072.4(HCN1):c.1534dup (p.Met512fs)

Gene: HCN1 (hyperpolarization activated cyclic nucleotide gated potassium channel 1; minus strand). Cytogenetic location: 5p12.
Variant type: Duplication.
Coding change: c.1534dup on transcript NM_021072.4 (MANE Select); coding-DNA position 1534, one base duplicated (A; older notation c.1534dupA).
Protein change: p.Met512fs; shifts the reading frame from methionine 512.
Molecular consequence: frameshift variant.
Genome position (GRCh38, 1-based): chr5:45,303,683, T duplicated on the plus strand (A on the coding strand, the reverse complement: HCN1 is on the minus strand); the first of 7 consecutive T bases (chr5:45,303,683-45,303,689); duplicating any one gives the same sequence. VCF-style (leftmost placement, unchanged base first): chr5-45303682-A-AT. GRCh37 (hg19) VCF-style: chr5-45303784-A-AT.
Other names: c.1534dup (NM_021072.3); short protein forms M512fs.
Identifiers: ClinVar variation 1052345 (VCV001052345.11), dbSNP rs772669067, ClinGen allele CA645544557.

ClinVar aggregate classification (germline): Uncertain significance. Review status: criteria provided, multiple submitters, no conflicts (2 of 4 stars). 2 submissions from 2 submitters: Uncertain significance (2). Last evaluated 2024-03-28.

Conditions:
Early-infantile DEE. Also called: Early infantile epileptic encephalopathy; Ohtahara syndrome; Early infantile epileptic encephalopathy with suppression bursts. Identifiers: Orphanet 1934, MedGen C0393706, MONDO:0800491.

Submissions (2):

GeneDx
Classification: Uncertain significance. Last evaluated: 2024-03-28. Review status: criteria provided, single submitter. Criteria: GeneDx Variant Classification Process June 2021. Collection method: clinical testing. Allele origin: germline.
Comment: Frameshift variant predicted to result in protein truncation or nonsense mediated decay in a gene or region of a gene for which loss of function is not a well-established mechanism of disease; Not observed at significant frequency in large population cohorts (gnomAD); Has not been previously published as pathogenic or benign to our knowledge

Labcorp Genetics (formerly Invitae), Labcorp
Classification: Uncertain significance for Early-infantile DEE. Last evaluated: 2022-05-07. Review status: criteria provided, single submitter. Criteria: Invitae Variant Classification Sherloc (09022015). Collection method: clinical testing. Allele origin: germline.
Comment: In summary, the available evidence is currently insufficient to determine the role of this variant in disease. Therefore, it has been classified as a Variant of Uncertain Significance. ClinVar contains an entry for this variant (Variation ID: 1052345). This premature translational stop signal has been observed in at least one individual who was not affected with HCN1-related conditions (Invitae). This variant has not been reported in the literature in individuals affected with HCN1-related conditions. This variant is not present in population databases (gnomAD no frequency). This sequence change creates a premature translational stop signal (p.Met512Asnfs*17) in the HCN1 gene. It is expected to result in an absent or disrupted protein product. However, the current clinical and genetic evidence is not sufficient to establish whether loss-of-function variants in HCN1 cause disease.